The following is an entry in ClinVar:

ClinVar aggregate classification (germline): Uncertain significance (1 of 4 stars; one submission).

Conditions:
Type 2 diabetes mellitus. Also called: Type II diabetes mellitus. Identifiers: MedGen C0011860, MeSH D003924, MONDO:0005148, OMIM 125853, HP:0005978.

Submission:

Molecular Genetics, Royal Melbourne Hospital
Classification: Uncertain significance for Type 2 diabetes mellitus. Last evaluated: 2024-09-08. Review status: criteria provided, single submitter. Criteria: ACMG Guidelines, 2015. Collection method: clinical testing. Allele origin: germline. Inheritance: Autosomal dominant inheritance. Affected: yes.
Comment: This sequence change in PPARG is predicted to replace glycine with valine at codon 128, p.(Gly128Val). The glycine residue is highly conserved (100 vertebrates, Multiz Alignments), and is located in the zinc finger domain (NR C4 type domain), in a region (amino acids 119-136) highly intolerant to missense variation (Metadome). There is a large physicochemical difference between glycine and valine. This variant is absent from the population database gnomAD v4.1. To our knowledge, this variant is novel and has not been previously reported in the relevant scientific literature or databases. Computational evidence predicts a deleterious effect for the missense substitution (REVEL = 0.977) and predicts no impact on splicing (SpliceAI) for the nucleotide change. Based on the classification scheme RMH Modified ACMG/AMP Guidelines v1.7.0, this variant is classified as a VARIANT OF UNCERTAIN SIGNIFICANCE. Following criteria are met: PM1, PM2_Supporting,PP3_Moderate

NM_138711.6(PPARG):c.383G>T (p.Gly128Val)

Gene: PPARG (peroxisome proliferator activated receptor gamma; plus strand). Cytogenetic location: 3p25.2.
Variant type: single nucleotide variant.
Coding change: c.383G>T on transcript NM_138711.6 (MANE Select); coding-DNA position 383, G replaced by T.
Protein change: p.Gly128Val; replaces glycine 128 with valine.
Molecular consequence: missense variant. On other transcripts: 5 prime UTR variant (1).
Genome position (GRCh38, 1-based): chr3:12,381,484, G>T. VCF-style: chr3-12381484-G-T. GRCh37 (hg19) VCF-style: chr3-12422983-G-T.
Other names: c.383G>T, p.Gly128Val (NM_001330615.4, NM_001354666.3, NM_001354667.3 and 6 more transcripts); c.473G>T, p.Gly158Val (NM_001354668.2, NM_001374265.1, NM_015869.5); c.-45G>T (NM_001354669.2); c.389G>T, p.Gly130Val (NM_001354670.2, NM_001374266.1); short protein forms G128V, G130V, G158V.
Identifiers: ClinVar variation 3773777 (VCV003773777.1).
Genomic context (GRCh38, chr3:12,381,484, plus strand): 5'-AATGTCGTGTCTGTGGAGATAAAGCTTCTGGATTTCACTATGGAGTTCATGCTTGTGAAG[G>T]ATGCAAGGTAATTAAAAAAAAAGTCTTCAAAGAAATTGTTGAAACTTTATTATTTCATTT-3'
Protein context (NP_619725.3, residues 118-138): GFHYGVHACE[Gly128Val]CKGFFRRTIR